The following is an entry in ClinVar:

NM_003919.3(SGCE):c.1298-35T>G

Genes: CASD1 (CAS1 domain sialic acid O acetyltransferase 1; plus strand), SGCE (sarcoglycan epsilon; minus strand). Cytogenetic location: 7q21.3.
Variant type: single nucleotide variant.
Coding change: c.1298-35T>G on transcript NM_003919.3 (MANE Select); 35 bases into the intron before coding-DNA position 1298, T replaced by G.
Molecular consequence: intron variant.
Genome position (GRCh38, 1-based): chr7:94,585,550, A>C on the plus strand (T>G on the coding strand, the complement: SGCE is on the minus strand). VCF-style: chr7-94585550-A-C. GRCh37 (hg19) VCF-style: chr7-94214862-A-C.
Other names: c.1148-35T>G (NM_001362809.2); c.1175-35T>G (NM_001301139.2); c.1271-35T>G (NM_001346717.2); c.1306-35T>G (NM_001099400.2); c.1373-35T>G (NM_001099401.2); c.1379-35T>G (NM_001346715.2); c.1406-35T>G (NM_001346713.2); c.1184-35T>G (NM_001362807.2); and 3 more.
Identifiers: ClinVar variation 5008971 (VCV005008971.1).

ClinVar aggregate classification (germline): Uncertain significance (1 of 4 stars; one submission).

Submission:

GeneDx
Classification: Uncertain significance. Last evaluated: 2026-03-11. Review status: criteria provided, single submitter. Criteria: GeneDx Variant Classification Process June 2021. Collection method: clinical testing. Allele origin: germline.
Comment: Not observed at significant frequency in large population cohorts (gnomAD); In silico analysis supports a deleterious effect on splicing; Has not been previously published as pathogenic or benign to our knowledge